The following is an entry in ClinVar:

NM_002354.3(EPCAM):c.889T>C (p.Tyr297His)

Gene: EPCAM (epithelial cell adhesion molecule; plus strand). Cytogenetic location: 2p21.
Variant type: single nucleotide variant.
Coding change: c.889T>C on transcript NM_002354.3 (MANE Select); coding-DNA position 889, T replaced by C.
Protein change: p.Tyr297His; replaces tyrosine 297 with histidine.
Molecular consequence: missense variant.
Genome position (GRCh38, 1-based): chr2:47,385,196, T>C. VCF-style: chr2-47385196-T-C. GRCh37 (hg19) VCF-style: chr2-47612335-T-C.
Other names: short protein forms Y297H.
Identifiers: ClinVar variation 5036036 (VCV005036036.1).

ClinVar aggregate classification (germline): Uncertain significance (1 of 4 stars; one submission).

Conditions:
Hereditary cancer-predisposing syndrome. Also called: Hereditary Cancer Syndrome; Neoplastic Syndromes, Hereditary; Tumor predisposition; Hereditary neoplastic syndrome. Identifiers: Orphanet 140162, MedGen C0027672, MeSH D009386, MONDO:0015356.

Submission:

Ambry Genetics
Classification: Uncertain significance for Hereditary cancer-predisposing syndrome. Last evaluated: 2026-09-01. Review status: criteria provided, single submitter. Criteria: Ambry Variant Classification Scheme 2023. Collection method: clinical testing. Allele origin: germline.
Comment: The p.Y297H variant (also known as c.889T>C), located in coding exon 8 of the EPCAM gene, results from a T to C substitution at nucleotide position 889. The tyrosine at codon 297 is replaced by histidine, an amino acid with similar properties. This amino acid position is conserved. In addition, this alteration is predicted to be deleterious by in silico analysis. Based on the available evidence, the clinical significance of this variant remains unclear.